The following is an entry in ClinVar:

NM_001363.5(DKC1):c.1275_1277del (p.Glu426del)

Gene: DKC1 (dyskerin pseudouridine synthase 1; plus strand). Cytogenetic location: Xq28.
Variant type: Deletion.
Coding change: c.1275_1277del on transcript NM_001363.5 (MANE Select); coding-DNA positions 1275 to 1277, 3 bases deleted (AGA; older notation c.1275_1277delAGA).
Protein change: p.Glu426del; deletes glutamic acid 426.
Molecular consequence: inframe deletion. On other transcripts: 3 prime UTR variant (1), non-coding transcript variant (3).
Genome position (GRCh38, 1-based): chrX:154,775,210-154,775,212, AGA deleted; deleting any 3 consecutive bases within chrX:154,775,209-154,775,212 gives the same sequence; the c. name uses the placement nearest the transcript's 3' end. VCF-style (leftmost placement, unchanged base first): chrX-154775208-AAAG-A. GRCh37 (hg19) VCF-style: chrX-154003483-AAAG-A.
Other names: c.1260_1262del, p.Glu421del (NM_001142463.3); c.*501_*503del (NM_001288747.2); short protein forms E421del, E426del.
Identifiers: ClinVar variation 2174774 (VCV002174774.3), dbSNP rs1387385247, ClinGen allele CA873370643.

ClinVar aggregate classification (germline): Uncertain significance (1 of 4 stars; one submission).

Conditions:
Dyskeratosis congenita. Identifiers: Orphanet 1775, MedGen C0265965, MONDO:0015780.

Submission:

Labcorp Genetics (formerly Invitae), Labcorp
Classification: Uncertain significance for Dyskeratosis congenita. Last evaluated: 2024-03-12. Review status: criteria provided, single submitter. Criteria: Invitae Variant Classification Sherloc (09022015). Collection method: clinical testing. Allele origin: germline.
Comment: This variant, c.1275_1277del, results in the deletion of 1 amino acid(s) of the DKC1 protein (p.Glu426del), but otherwise preserves the integrity of the reading frame. This variant is not present in population databases (gnomAD no frequency). This variant has not been reported in the literature in individuals affected with DKC1-related conditions. ClinVar contains an entry for this variant (Variation ID: 2174774). Experimental studies and prediction algorithms are not available or were not evaluated, and the functional significance of this variant is currently unknown. In summary, the available evidence is currently insufficient to determine the role of this variant in disease. Therefore, it has been classified as a Variant of Uncertain Significance.